The following is an entry in ClinVar:

NM_004628.5(XPC):c.1267C>T (p.Arg423Trp)

Gene: XPC (XPC complex subunit, DNA damage recognition and repair factor; minus strand). Cytogenetic location: 3p25.1.
Variant type: single nucleotide variant.
Coding change: c.1267C>T on transcript NM_004628.5 (MANE Select); coding-DNA position 1267, C replaced by T.
Protein change: p.Arg423Trp; replaces arginine 423 with tryptophan.
Molecular consequence: missense variant. On other transcripts: non-coding transcript variant (2).
Genome position (GRCh38, 1-based): chr3:14,158,616, G>A on the plus strand (C>T on the coding strand, the complement: XPC is on the minus strand). VCF-style: chr3-14158616-G-A. GRCh37 (hg19) VCF-style: chr3-14200116-G-A.
Other names: c.688C>T, p.Arg230Trp (NM_001354726.2); c.1267C>T, p.Arg423Trp (NM_001354727.2, NM_001354730.2); c.1249C>T, p.Arg417Trp (NM_001354729.2); short protein forms R423W, R417W, R230W.
Identifiers: ClinVar variation 2376160 (VCV002376160.6), dbSNP rs781191515, ClinGen allele CA2267472.

ClinVar aggregate classification (germline): Conflicting classifications of pathogenicity. Review status: criteria provided, conflicting classifications (1 of 4 stars). 4 submissions from 4 submitters: Likely pathogenic (1); Uncertain significance (3). Last evaluated 2024-08-07.

Conditions:
Ovarian cancer. Also called: OVARIAN CANCER, SOMATIC. Identifiers: Orphanet 213500, MedGen C1140680, MONDO:0008170, OMIM 167000.
Inborn genetic diseases. Identifiers: MedGen C0950123, MeSH D030342.

Allele frequency attached by ClinVar (database versions not stated): gnomAD 0.00001; TOPMed 0.00001; ExAC 0.00002; gnomAD exomes 0.00002.
gnomAD v4.1: 30 of 1,613,688 alleles (0.0019%); highest among the groups gnomAD compares: African/African-American, 0.0027%; no homozygotes.

Submissions (4):

Women's Health and Genetics/Laboratory Corporation of America, LabCorp
Classification: Uncertain significance. Last evaluated: 2024-08-07. Review status: criteria provided, single submitter. Criteria: LabCorp Variant Classification Summary - May 2015. Collection method: clinical testing. Allele origin: germline.
Comment: Variant summary: XPC c.1267C>T (p.Arg423Trp) results in a non-conservative amino acid change in the encoded protein sequence. Three of five in-silico tools predict a damaging effect of the variant on protein function. The variant allele was found at a frequency of 1.6e-05 in 249188 control chromosomes. The available data on variant occurrences in the general population are insufficient to allow any conclusion about variant significance. To our knowledge, no occurrence of c.1267C>T in individuals affected with Xeroderma Pigmentosum and no experimental evidence demonstrating its impact on protein function have been reported. ClinVar contains an entry for this variant (Variation ID: 2376160). Based on the evidence outlined above, the variant was classified as uncertain significance.

Blueprint Genetics
Classification: Uncertain significance. Last evaluated: 2023-04-19. Review status: criteria provided, single submitter. Criteria: ACMG Guidelines, 2015. Collection method: clinical testing. Allele origin: germline.

Laboratory of Molecular Epidemiology of Birth Defects, West China Second University Hospital, Sichuan University
Classification: Likely pathogenic for Ovarian cancer. Last evaluated: 2022-01-01. Review status: criteria provided, single submitter. Criteria: ACMG Guidelines, 2015. Collection method: clinical testing. Allele origin: germline. Affected: yes.

Ambry Genetics
Classification: Uncertain significance for Inborn genetic diseases. Last evaluated: 2021-07-09. Review status: criteria provided, single submitter. Criteria: Ambry Variant Classification Scheme 2023. Collection method: clinical testing. Allele origin: germline.